The following is an entry in ClinVar:

NM_000748.3(CHRNB2):c.646C>T (p.Pro216Ser)

Gene: CHRNB2 (cholinergic receptor nicotinic beta 2 subunit; plus strand). Cytogenetic location: 1q21.3.
Variant type: single nucleotide variant.
Coding change: c.646C>T on transcript NM_000748.3 (MANE Select); coding-DNA position 646, C replaced by T.
Protein change: p.Pro216Ser; replaces proline 216 with serine.
Molecular consequence: missense variant.
Genome position (GRCh38, 1-based): chr1:154,571,469, C>T. VCF-style: chr1-154571469-C-T. GRCh37 (hg19) VCF-style: chr1-154543945-C-T.
Other names: c.646C>T (NM_000748.2); short protein forms P216S.
Identifiers: ClinVar variation 1060280 (VCV001060280.10), dbSNP rs200796605, ClinGen allele CA1130757.
Genomic context (GRCh38, chr1:154,571,469, plus strand): 5'-GACTTCACACCTAGTGGTGAGTGGGACATCGTGGCGCTGCCGGGCCGGCGCAACGAGAAC[C>T]CCGACGACTCTACGTACGTGGACATCACGTATGACTTCATCATTCGCCGCAAGCCGCTCT-3'
Protein context (NP_000739.1, residues 206-226): VALPGRRNEN[Pro216Ser]DDSTYVDITY

ClinVar aggregate classification (germline): Uncertain significance. Review status: criteria provided, multiple submitters, no conflicts (2 of 4 stars). 2 submissions from 2 submitters: Uncertain significance (2). Last evaluated 2024-02-01.

Conditions:
Familial sleep-related hypermotor epilepsy. Also called: Autosomal Dominant Sleep-Related Hypermotor (Hyperkinetic) Epilepsy. Identifiers: Orphanet 98784, MedGen C3696898, MONDO:0000030.
Inborn genetic diseases. Identifiers: MedGen C0950123, MeSH D030342.

Allele frequency attached by ClinVar (database versions not stated): ExAC 0.00001; gnomAD exomes 0.00001.

Submissions (2):

Labcorp Genetics (formerly Invitae), Labcorp
Classification: Uncertain significance. Last evaluated: 2024-02-01. Review status: criteria provided, single submitter. Criteria: Invitae Variant Classification Sherloc (09022015). Collection method: clinical testing. Allele origin: germline.
Comment: This sequence change replaces proline, which is neutral and non-polar, with serine, which is neutral and polar, at codon 216 of the CHRNB2 protein (p.Pro216Ser). This variant is present in population databases (rs200796605, gnomAD 0.002%). This variant has not been reported in the literature in individuals affected with CHRNB2-related conditions. ClinVar contains an entry for this variant (Variation ID: 1060280). Advanced modeling of protein sequence and biophysical properties (such as structural, functional, and spatial information, amino acid conservation, physicochemical variation, residue mobility, and thermodynamic stability) performed at Invitae indicates that this missense variant is not expected to disrupt CHRNB2 protein function with a negative predictive value of 80%. In summary, the available evidence is currently insufficient to determine the role of this variant in disease. Therefore, it has been classified as a Variant of Uncertain Significance.

Ambry Genetics
Classification: Uncertain significance for Inborn genetic diseases. Last evaluated: 2023-04-17. Review status: criteria provided, single submitter. Criteria: Ambry Variant Classification Scheme 2023. Collection method: clinical testing. Allele origin: germline.